The following is an entry in ClinVar:

NM_000289.6(PFKM):c.594-300C>T

Gene: PFKM (phosphofructokinase, muscle; plus strand). Cytogenetic location: 12q13.11.
Variant type: single nucleotide variant.
Coding change: c.594-300C>T on transcript NM_000289.6 (MANE Select); 300 bases into the intron before coding-DNA position 594, C replaced by T.
Molecular consequence: intron variant.
Genome position (GRCh38, 1-based): chr12:48,133,932, C>T. VCF-style: chr12-48133932-C-T. GRCh37 (hg19) VCF-style: chr12-48527715-C-T.
Other names: c.618-300C>T (NM_001354741.2); c.594-300C>T (NM_001354742.2, NM_001354743.2, NM_001354744.2 and 4 more transcripts); c.444-300C>T (NM_001354747.2, NM_001354748.2); c.807-300C>T (NM_001166686.2, NM_001354737.1, NM_001354739.1 and 1 more transcripts); c.903-300C>T (NM_001354736.1, NM_001354735.1); c.738-300C>T (NM_001354740.1); c.507-300C>T (NM_001354745.2).
Identifiers: ClinVar variation 669651 (VCV000669651.1), dbSNP rs11168424, ClinGen allele CA13687182.

ClinVar aggregate classification (germline): Benign (1 of 4 stars; one submission).

Allele frequency attached by ClinVar (database versions not stated): gnomAD 0.18537 and 0.18949; 1000 Genomes Project 0.18930; TOPMed 0.19145; 1000 Genomes Project 30x 0.19300.
gnomAD v4.1: 28,147 of 152,012 alleles (19%); highest among the groups gnomAD compares: African/African-American, 32%; 3,213 homozygotes.

Submission:

GeneDx
Classification: Benign. Last evaluated: 2018-06-14. Review status: criteria provided, single submitter. Criteria: GeneDx Variant Classification (06012015). Collection method: clinical testing. Allele origin: germline. Affected: yes.
Comment: This variant is considered likely benign or benign based on one or more of the following criteria: it is a conservative change, it occurs at a poorly conserved position in the protein, it is predicted to be benign by multiple in silico algorithms, and/or has population frequency not consistent with disease.